The following is an entry in ClinVar:

ClinVar aggregate classification (germline): Uncertain significance (1 of 4 stars; one submission).

Allele frequency attached by ClinVar (database versions not stated): gnomAD exomes below 0.00001; TOPMed 0.00001; ExAC 0.00002; gnomAD 0.00003.
gnomAD v4.1: 9 of 1,614,044 alleles (0.00056%); highest among the groups gnomAD compares: African/African-American, 0.0067%; no homozygotes.

Submission:

Labcorp Genetics (formerly Invitae), Labcorp
Classification: Uncertain significance. Last evaluated: 2022-09-21. Review status: criteria provided, single submitter. Criteria: Invitae Variant Classification Sherloc (09022015). Collection method: clinical testing. Allele origin: germline.
Comment: In summary, the available evidence is currently insufficient to determine the role of this variant in disease. Therefore, it has been classified as a Variant of Uncertain Significance. Advanced modeling of protein sequence and biophysical properties (such as structural, functional, and spatial information, amino acid conservation, physicochemical variation, residue mobility, and thermodynamic stability) has been performed at Invitae for this missense variant, however the output from this modeling did not meet the statistical confidence thresholds required to predict the impact of this variant on CRYM protein function. This variant has not been reported in the literature in individuals affected with CRYM-related conditions. The frequency data for this variant in the population databases is considered unreliable, as metrics indicate poor data quality at this position in the gnomAD database. This sequence change replaces aspartic acid, which is acidic and polar, with tyrosine, which is neutral and polar, at codon 238 of the CRYM protein (p.Asp238Tyr).

NM_001376256.1(CRYM):c.712G>T (p.Asp238Tyr)

Gene: CRYM (crystallin mu; minus strand). Cytogenetic location: 16p12.2.
Variant type: single nucleotide variant.
Coding change: c.712G>T on transcript NM_001376256.1 (MANE Select); coding-DNA position 712, G replaced by T.
Protein change: p.Asp238Tyr; replaces aspartic acid 238 with tyrosine.
Molecular consequence: missense variant.
Genome position (GRCh38, 1-based): chr16:21,262,120, C>A on the plus strand (G>T on the coding strand, the complement: CRYM is on the minus strand). VCF-style: chr16-21262120-C-A. GRCh37 (hg19) VCF-style: chr16-21273441-C-A.
Other names: c.712G>T, p.Asp238Tyr (NM_001888.5); short protein forms D238Y.
Identifiers: ClinVar variation 1950699 (VCV001950699.5), dbSNP rs781561505, ClinGen allele CA7950628.